The following is an entry in ClinVar:

NM_001348323.3(TRIP12):c.4415+5G>A

Gene: TRIP12 (thyroid hormone receptor interactor 12; minus strand). Cytogenetic location: 2q36.3.
Variant type: single nucleotide variant.
Coding change: c.4415+5G>A on transcript NM_001348323.3 (MANE Select); 5 bases into the intron after coding-DNA position 4415, G replaced by A.
Molecular consequence: intron variant.
Genome position (GRCh38, 1-based): chr2:229,791,861, C>T on the plus strand (G>A on the coding strand, the complement: TRIP12 is on the minus strand). VCF-style: chr2-229791861-C-T. GRCh37 (hg19) VCF-style: chr2-230656577-C-T.
Other names: c.3380+5G>A (NM_001284216.2); c.4190+5G>A (NM_004238.3); c.4193+5G>A (NM_001348331.1); c.4274+5G>A (NM_001348317.1, NM_001348318.2); c.4289+5G>A (NM_001284215.2, NM_001348316.2); c.4313+5G>A (NM_001348332.1); c.4334+5G>A (NM_001284214.2, NM_001348315.2); c.4400+5G>A (NM_001348319.1, NM_001348320.2); and 4 more.
Identifiers: ClinVar variation 986219 (VCV000986219.4), dbSNP rs2041634150, ClinGen allele CA1139657766.

ClinVar aggregate classification (germline): Pathogenic (1 of 4 stars; one submission).

Conditions:
Inborn genetic diseases. Identifiers: MedGen C0950123, MeSH D030342.

Submission:

Ambry Genetics
Classification: Pathogenic for Inborn genetic diseases. Last evaluated: 2021-06-22. Review status: criteria provided, single submitter. Criteria: Ambry Variant Classification Scheme 2023. Collection method: clinical testing. Allele origin: germline.
Comment: The c.4190+5G>A intronic alteration results from a G to A substitution 5 nucleotides after exon 28 (coding exon 27) of the TRIP12 gene. Based on data from the Genome Aggregation Database (gnomAD), the TRIP12 c.4190+5G>A alteration was not observed, with coverage at this position. The c.4190+5G nucleotide is conserved in available vertebrate species. RNA studies have demonstrated that this alteration results in abnormal splicing in the set of samples tested (Ambry internal data). In silico splice site analysis predicts that this alteration will weaken the native splice donor site. Based on the available evidence, this alteration is classified as pathogenic.